The following is an entry in ClinVar:

ClinVar aggregate classification (germline): Likely benign. Review status: criteria provided, multiple submitters, no conflicts (2 of 4 stars). 2 submissions from 2 submitters: Likely benign (2). Last evaluated 2025-04-01.

Allele frequency attached by ClinVar (database versions not stated): gnomAD exomes below 0.00001.
gnomAD v4.1: 1 of 1,613,912 alleles (0.000062%); highest among the groups gnomAD compares: Non-Finnish European, 0.000085%; no homozygotes.

Submissions (2):

CeGaT Center for Human Genetics Tuebingen
Classification: Likely benign. Last evaluated: 2025-04-01. Review status: criteria provided, single submitter. Criteria: CeGaT Center For Human Genetics Tuebingen Variant Classification Criteria Version 2. Collection method: clinical testing. Allele origin: germline. Affected: yes. Observed: 1 variant allele.
Comment: PRPF8: BP4, BP7

Labcorp Genetics (formerly Invitae), Labcorp
Classification: Likely benign. Last evaluated: 2022-03-19. Review status: criteria provided, single submitter. Criteria: Invitae Variant Classification Sherloc (09022015). Collection method: clinical testing. Allele origin: germline.

NM_006445.4(PRPF8):c.2310T>C (p.Thr770=)

Gene: PRPF8 (pre-mRNA processing factor 8; minus strand). Cytogenetic location: 17p13.3.
Variant type: single nucleotide variant.
Coding change: c.2310T>C on transcript NM_006445.4 (MANE Select); coding-DNA position 2310, T replaced by C.
Protein change: p.Thr770=; no amino-acid change (threonine 770 retained).
Molecular consequence: synonymous variant.
Genome position (GRCh38, 1-based): chr17:1,676,583, A>G on the plus strand (T>C on the coding strand, the complement: PRPF8 is on the minus strand). VCF-style: chr17-1676583-A-G. GRCh37 (hg19) VCF-style: chr17-1579877-A-G.
Identifiers: ClinVar variation 1086265 (VCV001086265.14), dbSNP rs1912610919, ClinGen allele CA497389779.